The following is an entry in ClinVar:

NM_001854.4(COL11A1):c.4302+225dup

Gene: COL11A1 (collagen type XI alpha 1 chain; minus strand). Cytogenetic location: 1p21.1.
Variant type: Duplication.
Coding change: c.4302+225dup on transcript NM_001854.4 (MANE Select); 225 bases into the intron after coding-DNA position 4302, one base duplicated (A; older notation c.4302+225dupA).
Molecular consequence: intron variant.
Genome position (GRCh38, 1-based): chr1:102,897,895, T duplicated on the plus strand (A on the coding strand, the reverse complement: COL11A1 is on the minus strand); the first of 6 consecutive T bases (chr1:102,897,895-102,897,900); duplicating any one gives the same sequence. VCF-style (leftmost placement, unchanged base first): chr1-102897894-A-AT. GRCh37 (hg19) VCF-style: chr1-103363450-A-AT.
Other names: c.4185+225dup (NM_001190709.2); c.4338+225dup (NM_080629.3); c.3954+225dup (NM_080630.4).
Identifiers: ClinVar variation 679042 (VCV000679042.1), dbSNP rs140129829, ClinGen allele CA27662037.

ClinVar aggregate classification (germline): Benign (1 of 4 stars; one submission).

Submission:

GeneDx
Classification: Benign. Last evaluated: 2018-06-19. Review status: criteria provided, single submitter. Criteria: GeneDx Variant Classification (06012015). Collection method: clinical testing. Allele origin: germline. Affected: yes.
Comment: This variant is considered likely benign or benign based on one or more of the following criteria: it is a conservative change, it occurs at a poorly conserved position in the protein, it is predicted to be benign by multiple in silico algorithms, and/or has population frequency not consistent with disease.